The following is an entry in ClinVar:

ClinVar aggregate classification (germline): Uncertain significance. Review status: criteria provided, multiple submitters, no conflicts (2 of 4 stars). 2 submissions from 2 submitters: Uncertain significance (2). Last evaluated 2025-05-14.

Conditions:
Inborn genetic diseases. Identifiers: MedGen C0950123, MeSH D030342.

Submissions (2):

Ambry Genetics
Classification: Uncertain significance for Inborn genetic diseases. Last evaluated: 2025-05-14. Review status: criteria provided, single submitter. Criteria: Ambry Variant Classification Scheme 2023. Collection method: clinical testing. Allele origin: germline.

Labcorp Genetics (formerly Invitae), Labcorp
Classification: Uncertain significance. Last evaluated: 2024-05-22. Review status: criteria provided, single submitter. Criteria: Invitae Variant Classification Sherloc (09022015). Collection method: clinical testing. Allele origin: germline.
Comment: This sequence change replaces serine, which is neutral and polar, with arginine, which is basic and polar, at codon 698 of the COL7A1 protein (p.Ser698Arg). This variant is not present in population databases (gnomAD no frequency). This variant has not been reported in the literature in individuals affected with COL7A1-related conditions. Advanced modeling of protein sequence and biophysical properties (such as structural, functional, and spatial information, amino acid conservation, physicochemical variation, residue mobility, and thermodynamic stability) performed at Invitae indicates that this missense variant is not expected to disrupt COL7A1 protein function with a negative predictive value of 95%. In summary, the available evidence is currently insufficient to determine the role of this variant in disease. Therefore, it has been classified as a Variant of Uncertain Significance.

NM_000094.4(COL7A1):c.2094C>A (p.Ser698Arg)

Gene: COL7A1 (collagen type VII alpha 1 chain; minus strand). Cytogenetic location: 3p21.31.
Variant type: single nucleotide variant.
Coding change: c.2094C>A on transcript NM_000094.4 (MANE Select); coding-DNA position 2094, C replaced by A.
Protein change: p.Ser698Arg; replaces serine 698 with arginine.
Molecular consequence: missense variant.
Genome position (GRCh38, 1-based): chr3:48,589,675, G>T on the plus strand (C>A on the coding strand, the complement: COL7A1 is on the minus strand). VCF-style: chr3-48589675-G-T. GRCh37 (hg19) VCF-style: chr3-48627108-G-T.
Other names: short protein forms S698R.
Identifiers: ClinVar variation 3684035 (VCV003684035.3).